The following is an entry in ClinVar:

NM_001267550.2(TTN):c.14722G>T (p.Glu4908Ter)

Gene: TTN (titin; minus strand). Cytogenetic location: 2q31.2.
Variant type: single nucleotide variant.
Coding change: c.14722G>T on transcript NM_001267550.2 (MANE Select); coding-DNA position 14722, G replaced by T.
Protein change: p.Glu4908Ter; replaces glutamic acid 4908 with a stop codon.
Molecular consequence: nonsense. On other transcripts: intron variant (3).
Genome position (GRCh38, 1-based): chr2:178,735,724, C>A on the plus strand (G>T on the coding strand, the complement: TTN is on the minus strand). VCF-style: chr2-178735724-C-A. GRCh37 (hg19) VCF-style: chr2-179600451-C-A.
Other names: c.13771G>T, p.Glu4591Ter (NM_001256850.1); c.10990G>T, p.Glu3664Ter (NM_133378.4); c.13282+2358G>T (NM_003319.4); c.13858+2358G>T (NM_133437.4); c.13657+2358G>T (NM_133432.3); short protein forms E3664*, E4591*, E4908*.
Identifiers: ClinVar variation 1285375 (VCV001285375.1).
Genomic context (GRCh38, chr2:178,735,724, plus strand): 5'-GTTTTTGCCCATCTTTGCTCCACGTAACTGTGACTTTTCTGTCTTCATCTACTTGGCACT[C>A]AAGGTGGACCTTCTTATTGATAGCGGACTGCACAGGCTCTAATTCTTTAATGAAATGTGG-3'

ClinVar aggregate classification (germline): Likely pathogenic (1 of 4 stars; one submission).

Conditions:
Early-onset myopathy with fatal cardiomyopathy (CMYO5). Also called: CONGENITAL MYOPATHY 5 WITH CARDIOMYOPATHY; Salih Myopathy. Identifiers: Orphanet 289377, MedGen C2673677, MONDO:0012714, OMIM 611705. Disease mechanism: loss of function.
Autosomal recessive limb-girdle muscular dystrophy type 2J (LGMDR10). Also called: MUSCULAR DYSTROPHY, LIMB-GIRDLE, AUTOSOMAL RECESSIVE 10; Limb-girdle muscular dystrophy, type 2J. Identifiers: Orphanet 140922, MedGen C1837342, MONDO:0012127, OMIM 608807.

Submission:

Kariminejad - Najmabadi Pathology & Genetics Center
Classification: Likely pathogenic for Early-onset myopathy with fatal cardiomyopathy; Autosomal recessive limb-girdle muscular dystrophy type 2J. Last evaluated: 2024-07-18. Review status: criteria provided, single submitter. Criteria: ACMG Guidelines, 2015. Collection method: clinical testing. Allele origin: germline. Inheritance: Autosomal recessive inheritance. Affected: yes.
Comment: Not Provided